The following is an entry in ClinVar:

NM_000168.6(GLI3):c.*2019C>T

Gene: GLI3 (GLI family zinc finger 3; minus strand). Cytogenetic location: 7p14.1.
Variant type: single nucleotide variant.
Coding change: c.*2019C>T on transcript NM_000168.6 (MANE Select); 2019 bases downstream of the stop codon, C replaced by T.
Molecular consequence: 3 prime UTR variant.
Genome position (GRCh38, 1-based): chr7:41,962,311, G>A on the plus strand (C>T on the coding strand, the complement: GLI3 is on the minus strand). VCF-style: chr7-41962311-G-A. GRCh37 (hg19) VCF-style: chr7-42001909-G-A.
Identifiers: ClinVar variation 360179 (VCV000360179.5), dbSNP rs73318085, ClinGen allele CA10623962.

ClinVar aggregate classification (germline): Benign. Review status: criteria provided, single submitter (1 of 4 stars). 3 submissions from 1 submitter: Benign (3). Last evaluated 2018-01-13.

Conditions:
Pallister-Hall syndrome (PHS). Also called: HYPOTHALAMIC HAMARTOBLASTOMA, HYPOPITUITARISM, IMPERFORATE ANUS, AND POSTAXIAL POLYDACTYLY; GLI3-Related Pallister-Hall Syndrome. Identifiers: Orphanet 672, MedGen C0265220, MONDO:0007804, OMIM 146510.
Greig cephalopolysyndactyly syndrome (GCPS). Also called: POLYSYNDACTYLY WITH PECULIAR SKULL SHAPE; Greig syndrome; GLI3-Related Greig Cephalopolysyndactyly Syndrome. Identifiers: Orphanet 380, MedGen C0265306, MONDO:0008287, OMIM 175700.
Polydactyly. Also called: polydactylism. Identifiers: MedGen C0152427, MONDO:0021003, OMIM 603596, HP:0010442.

Allele frequency attached by ClinVar (database versions not stated): gnomAD 0.01565 and 0.01690; 1000 Genomes Project 0.01617; TOPMed 0.01775; 1000 Genomes Project 30x 0.01827.

Submissions (3):

Illumina Laboratory Services, Illumina
Classification: Benign for Pallister-Hall syndrome. Last evaluated: 2018-01-13. Review status: criteria provided, single submitter. Criteria: ICSL Variant Classification Criteria 13 December 2019. Collection method: clinical testing. Allele origin: germline.
Comment: This variant was observed in the ICSL laboratory as part of a predisposition screen in an ostensibly healthy population. It had not been previously curated by ICSL or reported in the Human Gene Mutation Database (HGMD: prior to June 1st, 2018), and was therefore a candidate for classification through an automated scoring system. Utilizing variant allele frequency, disease prevalence and penetrance estimates, and inheritance mode, an automated score was calculated to assess if this variant is too frequent to cause the disease. Based on the score and internal cut-off values, a variant classified as benign is not then subjected to further curation. The score for this variant resulted in a classification of benign for this disease.

Illumina Laboratory Services, Illumina
Classification: Benign for Greig cephalopolysyndactyly syndrome. Last evaluated: 2018-01-13. Review status: criteria provided, single submitter. Criteria: ICSL Variant Classification Criteria 13 December 2019. Collection method: clinical testing. Allele origin: germline.
Comment: the same text as in the submission from Illumina Laboratory Services, Illumina above.

Illumina Laboratory Services, Illumina
Classification: Benign for Polydactyly. Last evaluated: 2018-01-13. Review status: criteria provided, single submitter. Criteria: ICSL Variant Classification Criteria 13 December 2019. Collection method: clinical testing. Allele origin: germline.
Comment: the same text as in the submission from Illumina Laboratory Services, Illumina above.